The following is an entry in ClinVar:

ClinVar aggregate classification (germline): Uncertain significance. Review status: criteria provided, multiple submitters, no conflicts (2 of 4 stars). 2 submissions from 2 submitters: Uncertain significance (2). Last evaluated 2025-03-20.

Conditions:
POLD1-related polyposis and colorectal cancer syndrome (CRCS10). Also called: Colorectal cancer 10; COLORECTAL CANCER, SUSCEPTIBILITY TO, ON CHROMOSOME 19q; Colorectal cancer, susceptibility to, 10. Identifiers: Orphanet 220460, MedGen C2675481, MONDO:0012953, OMIM 612591.
Hereditary cancer-predisposing syndrome. Also called: Tumor predisposition; Hereditary Cancer Syndrome; Hereditary neoplastic syndrome; Neoplastic Syndromes, Hereditary. Identifiers: Orphanet 140162, MedGen C0027672, MeSH D009386, MONDO:0015356.

Submissions (2):

Labcorp Genetics (formerly Invitae), Labcorp
Classification: Uncertain significance for POLD1-related polyposis and colorectal cancer syndrome. Last evaluated: 2025-03-20. Review status: criteria provided, single submitter. Criteria: Invitae Variant Classification Sherloc (09022015). Collection method: clinical testing. Allele origin: germline.
Comment: This sequence change replaces proline, which is neutral and non-polar, with threonine, which is neutral and polar, at codon 299 of the POLD1 protein (p.Pro299Thr). This variant is not present in population databases (gnomAD no frequency). This variant has not been reported in the literature in individuals affected with POLD1-related conditions. ClinVar contains an entry for this variant (Variation ID: 968979). Invitae Evidence Modeling of protein sequence and biophysical properties (such as structural, functional, and spatial information, amino acid conservation, physicochemical variation, residue mobility, and thermodynamic stability) indicates that this missense variant is not expected to disrupt POLD1 protein function with a negative predictive value of 80%. In summary, the available evidence is currently insufficient to determine the role of this variant in disease. Therefore, it has been classified as a Variant of Uncertain Significance.

Ambry Genetics
Classification: Uncertain significance for Hereditary cancer-predisposing syndrome. Last evaluated: 2024-09-12. Review status: criteria provided, single submitter. Criteria: Ambry Variant Classification Scheme 2023. Collection method: clinical testing. Allele origin: germline.
Comment: The p.P299T variant (also known as c.895C>A), located in coding exon 7 of the POLD1 gene, results from a C to A substitution at nucleotide position 895. The proline at codon 299 is replaced by threonine, an amino acid with highly similar properties. This amino acid position is conserved. In addition, this alteration is predicted to be tolerated by in silico analysis. Based on the available evidence, the clinical significance of this variant remains unclear.

NM_002691.4(POLD1):c.895C>A (p.Pro299Thr)

Gene: POLD1 (DNA polymerase delta 1, catalytic subunit; plus strand). Cytogenetic location: 19q13.33.
Variant type: single nucleotide variant.
Coding change: c.895C>A on transcript NM_002691.4 (MANE Select); coding-DNA position 895, C replaced by A.
Protein change: p.Pro299Thr; replaces proline 299 with threonine.
Molecular consequence: missense variant. On other transcripts: non-coding transcript variant (1).
Genome position (GRCh38, 1-based): chr19:50,402,666, C>A. VCF-style: chr19-50402666-C-A. GRCh37 (hg19) VCF-style: chr19-50905923-C-A.
Other names: c.895C>A, p.Pro299Thr (NM_001256849.1, NM_001308632.1); c.895C>A (NM_002691.2); short protein forms P299T.
Identifiers: ClinVar variation 968979 (VCV000968979.10), dbSNP rs759271754, ClinGen allele CA406976953.
Genomic context (GRCh38, chr19:50,402,666, plus strand): 5'-CCACAGGCTACGCAGTGCCAGCTGGAGGCGGACGTGCTGTGGTCTGACGTGGTCAGTCAC[C>A]CACCGGAAGGGCCATGGCAGCGCATTGCGCCCTTGCGCGTGCTCAGCTTCGATATCGAGT-3'
Protein context (NP_002682.2, residues 289-309): DVLWSDVVSH[Pro299Thr]PEGPWQRIAP